The following is an entry in ClinVar:

NM_004482.4(GALNT3):c.1675G>C (p.Glu559Gln)

Gene: GALNT3 (polypeptide N-acetylgalactosaminyltransferase 3; minus strand). Cytogenetic location: 2q24.3.
Variant type: single nucleotide variant.
Coding change: c.1675G>C on transcript NM_004482.4 (MANE Select); coding-DNA position 1675, G replaced by C.
Protein change: p.Glu559Gln; replaces glutamic acid 559 with glutamine.
Molecular consequence: missense variant.
Genome position (GRCh38, 1-based): chr2:165,749,846, C>G on the plus strand (G>C on the coding strand, the complement: GALNT3 is on the minus strand). VCF-style: chr2-165749846-C-G. GRCh37 (hg19) VCF-style: chr2-166606356-C-G.
Other names: short protein forms E559Q.
Identifiers: ClinVar variation 1380324 (VCV001380324.6), dbSNP rs2105398736, ClinGen allele CA349028728.

ClinVar aggregate classification (germline): Uncertain significance (1 of 4 stars; one submission).

Submission:

Labcorp Genetics (formerly Invitae), Labcorp
Classification: Uncertain significance. Last evaluated: 2022-06-27. Review status: criteria provided, single submitter. Criteria: Invitae Variant Classification Sherloc (09022015). Collection method: clinical testing. Allele origin: germline.
Comment: In summary, the available evidence is currently insufficient to determine the role of this variant in disease. Therefore, it has been classified as a Variant of Uncertain Significance. Algorithms developed to predict the effect of missense changes on protein structure and function are either unavailable or do not agree on the potential impact of this missense change (SIFT: "Deleterious"; PolyPhen-2: "Probably Damaging"; Align-GVGD: "Class C0"). This variant has not been reported in the literature in individuals affected with GALNT3-related conditions. This variant is not present in population databases (gnomAD no frequency). This sequence change replaces glutamic acid, which is acidic and polar, with glutamine, which is neutral and polar, at codon 559 of the GALNT3 protein (p.Glu559Gln).